The following is an entry in ClinVar:

NM_012309.5(SHANK2):c.1293C>T (p.Pro431=)

Gene: SHANK2 (SH3 and multiple ankyrin repeat domains 2; minus strand). Cytogenetic location: 11q13.4.
Variant type: single nucleotide variant.
Coding change: c.1293C>T on transcript NM_012309.5 (MANE Select); coding-DNA position 1293, C replaced by T.
Protein change: p.Pro431=; no amino-acid change (proline 431 retained).
Molecular consequence: synonymous variant.
Genome position (GRCh38, 1-based): chr11:70,820,564, G>A on the plus strand (C>T on the coding strand, the complement: SHANK2 is on the minus strand). VCF-style: chr11-70820564-G-A. GRCh37 (hg19) VCF-style: chr11-70666669-G-A.
Other names: c.1293C>T, p.Pro431= (NM_001441036.1, NM_001441037.1, NM_001441039.1 and 11 more transcripts); c.1221C>T, p.Pro407= (NM_001441038.1); c.156C>T, p.Pro52= (NM_001441040.1, NM_001441041.1, NM_001379226.1); c.1464C>T, p.Pro488= (NM_001441024.1).
Identifiers: ClinVar variation 4534692 (VCV004534692.6).

ClinVar aggregate classification (germline): Likely benign (1 of 4 stars; one submission).

gnomAD v4.1: 5 of 716,940 alleles (0.0007%); highest among the groups gnomAD compares: East Asian, 0.0027%; no homozygotes.

Submission:

CeGaT Center for Human Genetics Tuebingen
Classification: Likely benign. Last evaluated: 2025-11-01. Review status: criteria provided, single submitter. Criteria: CeGaT Center For Human Genetics Tuebingen Variant Classification Criteria Version 2. Collection method: clinical testing. Allele origin: germline. Affected: yes. Observed: 1 variant allele.
Comment: SHANK2: BP4, BP7